The following is an entry in ClinVar:

NM_138295.5(PKD1L1):c.3066G>A (p.Ala1022=)

Gene: PKD1L1 (polycystin 1 like 1, transient receptor potential channel interacting; minus strand). Cytogenetic location: 7p12.3.
Variant type: single nucleotide variant.
Coding change: c.3066G>A on transcript NM_138295.5 (MANE Select); coding-DNA position 3066, G replaced by A.
Protein change: p.Ala1022=; no amino-acid change (alanine 1022 retained).
Molecular consequence: synonymous variant.
Genome position (GRCh38, 1-based): chr7:47,885,825, C>T on the plus strand (G>A on the coding strand, the complement: PKD1L1 is on the minus strand). VCF-style: chr7-47885825-C-T. GRCh37 (hg19) VCF-style: chr7-47925423-C-T.
Identifiers: ClinVar variation 2635820 (VCV002635820.3), dbSNP rs372072831, ClinGen allele CA4253549.

ClinVar aggregate classification (germline): Uncertain significance (0 of 4 stars; one submission).

Conditions:
PKD1L1-related disorder. Also called: PKD1L1-related condition.

Allele frequency attached by ClinVar (database versions not stated): gnomAD 0.00007; ESP Exome Variant Server 0.00008.
gnomAD v4.1: 140 of 1,614,056 alleles (0.0087%); highest among the groups gnomAD compares: Non-Finnish European, 0.01%; no homozygotes.

Submission:

PreventionGenetics, part of Exact Sciences
Classification: Uncertain significance for PKD1L1-related condition. Last evaluated: 2024-01-01. Review status: no assertion criteria provided. Collection method: clinical testing. Allele origin: germline.
Comment: The PKD1L1 c.3066G>A variant is not predicted to result in an amino acid change (p.=). This variant is predicted to alter splicing based on available splicing prediction programs. However, such computer prediction programs are imperfect. To our knowledge, this variant has not been reported in the literature. This variant is reported in 0.017% of alleles in individuals of Latino descent in gnomAD. At this time, the clinical significance of this variant is uncertain due to the absence of conclusive functional and genetic evidence.